The following is an entry in ClinVar:

ClinVar aggregate classification (germline): Uncertain significance (1 of 4 stars; one submission).

Submission:

Labcorp Genetics (formerly Invitae), Labcorp
Classification: Uncertain significance. Last evaluated: 2024-06-30. Review status: criteria provided, single submitter. Criteria: Invitae Variant Classification Sherloc (09022015). Collection method: clinical testing. Allele origin: germline.
Comment: This sequence change creates a premature translational stop signal (p.Phe684Leufs*32) in the ADGRE2 gene. It is expected to result in an absent or disrupted protein product. However, the current clinical and genetic evidence is not sufficient to establish whether loss-of-function variants in ADGRE2 cause disease. This variant is not present in population databases (gnomAD no frequency). This variant has not been reported in the literature in individuals affected with ADGRE2-related conditions. ClinVar contains an entry for this variant (Variation ID: 2044847). Experimental studies and prediction algorithms are not available or were not evaluated, and the functional significance of this variant is currently unknown. In summary, the available evidence is currently insufficient to determine the role of this variant in disease. Therefore, it has been classified as a Variant of Uncertain Significance.

NM_013447.4(ADGRE2):c.2049_2059del (p.Phe684fs)

Gene: ADGRE2 (adhesion G protein-coupled receptor E2; minus strand). Cytogenetic location: 19p13.12.
Variant type: Deletion.
Coding change: c.2049_2059del on transcript NM_013447.4 (MANE Select); coding-DNA positions 2049 to 2059, 11 bases deleted (ATTTATATGGG).
Protein change: p.Phe684fs; shifts the reading frame from phenylalanine 684.
Molecular consequence: frameshift variant.
Genome position (GRCh38, 1-based): chr19:14,746,928-14,746,938, CCCATATAAAT deleted on the plus strand (ATTTATATGGG on the coding strand, the reverse complement: ADGRE2 is on the minus strand); deleting any 11 consecutive bases within chr19:14,746,928-14,746,941 gives the same sequence; the c. name uses the placement nearest the transcript's 3' end. VCF-style (leftmost placement, unchanged base first): chr19-14746927-CCCCATATAAAT-C. GRCh37 (hg19) VCF-style: chr19-14857739-CCCCATATAAAT-C.
Other names: c.1875_1885del, p.Phe626fs (NM_001271052.1); c.1899_1909delGGGATTTATAT, p.Phe635Leufs (NM_152916.2); c.1767_1777delGGGATTTATAT, p.Phe591Leufs (NM_152917.2); short protein forms F626fs, F684fs.
Identifiers: ClinVar variation 2044847 (VCV002044847.4), dbSNP rs2512983767, ClinGen allele CA2580096688.